The following is an entry in ClinVar:

ClinVar aggregate classification (germline): Uncertain significance (0 of 4 stars; one submission).

Conditions:
GNAS-related disorder. Identifiers: MedGen CN380105.

gnomAD v4.1: 1 of 1,605,474 alleles (0.000062%); highest among the groups gnomAD compares: East Asian, 0.0023%; no homozygotes.

Submission:

PreventionGenetics, part of Exact Sciences
Classification: Uncertain significance for GNAS-related condition. Last evaluated: 2024-08-06. Review status: no assertion criteria provided. Collection method: clinical testing. Allele origin: germline.
Comment: The GNAS c.1490C>T variant is predicted to result in the amino acid substitution p.Ala497Val. To our knowledge, this variant has not been reported in the literature or in a large population database, indicating this variant is rare. At this time, the clinical significance of this variant is uncertain due to the absence of conclusive functional and genetic evidence.

NM_080425.4(GNAS):c.1677C>T (p.Arg559=)

Gene: GNAS (GNAS complex locus; plus strand). Cytogenetic location: 20q13.32.
Variant type: single nucleotide variant.
Coding change: c.1677C>T on transcript NM_080425.4 (MANE Plus Clinical); coding-DNA position 1677, C replaced by T.
Protein change: p.Arg559=; no amino-acid change (arginine 559 retained).
Molecular consequence: synonymous variant. On other transcripts: missense variant (2), intron variant (3).
Genome position (GRCh38, 1-based): chr20:58,854,942, C>T. VCF-style: chr20-58854942-C-T. GRCh37 (hg19) VCF-style: chr20-57429997-C-T.
Other names: c.1490C>T, p.Ala497Val (NM_001077490.3, NM_001309883.1); c.1677C>T, p.Arg559= (NM_001410913.1); c.*42+14056C>T (NM_016592.5); c.43+14056C>T (NM_001410912.1); c.-39+13067C>T (NM_001309861.2); short protein forms A497V.
Identifiers: ClinVar variation 3352053 (VCV003352053.1).